The following is an entry in ClinVar:

NM_001378454.1(ALMS1):c.2575G>C (p.Ala859Pro)

Gene: ALMS1 (ALMS1 centrosome and basal body associated protein; plus strand). Cytogenetic location: 2p13.1.
Variant type: single nucleotide variant.
Coding change: c.2575G>C on transcript NM_001378454.1 (MANE Select); coding-DNA position 2575, G replaced by C.
Protein change: p.Ala859Pro; replaces alanine 859 with proline.
Molecular consequence: missense variant.
Genome position (GRCh38, 1-based): chr2:73,449,102, G>C. VCF-style: chr2-73449102-G-C. GRCh37 (hg19) VCF-style: chr2-73676229-G-C.
Other names: c.2578G>C, p.Ala860Pro (NM_015120.4); short protein forms A859P, A860P.
Identifiers: ClinVar variation 1481702 (VCV001481702.3), dbSNP rs2103775737, ClinGen allele CA347270586.
Genomic context (GRCh38, chr2:73,449,102, plus strand): 5'-GCTGTTTCTGGACCAGCTGACGGAAAGACTGGGACACCAGCTGTAACCTCTACTTCCTCT[G>C]CGTCCTCTTCACTTGGAGAAAAGCCCAGTGCTTTCTATCAGCAGACCTTACCCAATAGTC-3'
Protein context (NP_001365383.1, residues 849-869): GTPAVTSTSS[Ala859Pro]SSSLGEKPSA

ClinVar aggregate classification (germline): Uncertain significance (1 of 4 stars; one submission).

Conditions:
Alstrom syndrome (ALMS). Identifiers: Orphanet 64, MedGen C0268425, MONDO:0008763, OMIM 203800.

Allele frequency attached by ClinVar (database versions not stated): gnomAD exomes below 0.00001.
gnomAD v4.1: 6 of 1,613,778 alleles (0.00037%); highest among the groups gnomAD compares: South Asian, 0.0033%; no homozygotes.

Submission:

Labcorp Genetics (formerly Invitae), Labcorp
Classification: Uncertain significance for Alstrom syndrome. Last evaluated: 2022-10-17. Review status: criteria provided, single submitter. Criteria: Invitae Variant Classification Sherloc (09022015). Collection method: clinical testing. Allele origin: germline.
Comment: This sequence change replaces alanine with proline at codon 860 of the ALMS1 protein (p.Ala860Pro). The alanine residue is weakly conserved and there is a small physicochemical difference between alanine and proline. This variant is not present in population databases (gnomAD no frequency). This variant has not been reported in the literature in individuals affected with ALMS1-related conditions. ClinVar contains an entry for this variant (Variation ID: 1481702). Experimental studies and prediction algorithms are not available or were not evaluated, and the functional significance of this variant is currently unknown. In summary, the available evidence is currently insufficient to determine the role of this variant in disease. Therefore, it has been classified as a Variant of Uncertain Significance.